The following is an entry in ClinVar:

ClinVar aggregate classification (germline): Conflicting classifications of pathogenicity. Review status: criteria provided, conflicting classifications (1 of 4 stars). 6 submissions from 6 submitters: Uncertain significance (3); Likely benign (3). Last evaluated 2026-01-15.

Conditions:
Enchondromatosis. Also called: ENCHONDROMATOSIS, MULTIPLE, OLLIER TYPE; DYSCHONDROPLASIA; Multiple cartilaginous enchondroses; Multiple enchondromatosis; Ollier disease. Identifiers: Orphanet 296, MedGen C0014084, MONDO:0008145, OMIM 166000, HP:0005701.
D-2-hydroxyglutaric aciduria 2 (D2HGA2). Identifiers: Orphanet 79315, MedGen C3150909, MONDO:0013345, OMIM 613657.

Allele frequency attached by ClinVar (database versions not stated): ExAC 0.00020; gnomAD exomes 0.00029 and 0.00033; TOPMed 0.00030; gnomAD 0.00033 and 0.00035; ESP Exome Variant Server 0.00038.
gnomAD v4.1: 523 of 1,613,648 alleles (0.032%); highest among the groups gnomAD compares: Middle Eastern, 0.053%; 1 homozygote.

Submissions (6):

Labcorp Genetics (formerly Invitae), Labcorp
Classification: Likely benign for D-2-hydroxyglutaric aciduria 2. Last evaluated: 2026-01-15. Review status: criteria provided, single submitter. Criteria: Invitae Variant Classification Sherloc (09022015). Collection method: clinical testing. Allele origin: germline.

Blueprint Genetics
Classification: Likely benign. Last evaluated: 2024-10-14. Review status: criteria provided, single submitter. Criteria: ACMG Guidelines, 2015. Collection method: clinical testing. Allele origin: germline.

GeneDx
Classification: Uncertain significance. Last evaluated: 2021-05-11. Review status: criteria provided, single submitter. Criteria: GeneDx Variant Classification Process June 2021. Collection method: clinical testing. Allele origin: germline. Affected: yes.
Comment: In silico analysis supports that this missense variant has a deleterious effect on protein structure/function; Has not been previously published as pathogenic or benign to our knowledge

Center for Pediatric Genomic Medicine, Children's Mercy Hospital and Clinics
Classification: Uncertain significance. Last evaluated: 2016-11-22. Review status: criteria provided, single submitter. Criteria: ACMG Guidelines, 2015. Collection method: clinical testing. Allele origin: germline.
ClinVar note: Converted during submission from Uncertain Significance to Uncertain significance.

Genetic Services Laboratory, University of Chicago
Classification: Likely benign. Last evaluated: 2015-03-06. Review status: criteria provided, single submitter. Criteria: ACMG Guidelines, 2015. Collection method: clinical testing. Allele origin: germline.

Baylor-Hopkins Center for Mendelian Genomics, Johns Hopkins University School of Medicine
Classification: Uncertain significance for Enchondromatosis. Review status: criteria provided, single submitter. Criteria: ACMG Guidelines, 2015. Collection method: research. Allele origin: unknown. Affected: yes. Observed: 1 heterozygote.

NM_002168.4(IDH2):c.673G>A (p.Asp225Asn)

Gene: IDH2 (isocitrate dehydrogenase (NADP(+)) 2; minus strand). Cytogenetic location: 15q26.1.
Variant type: single nucleotide variant.
Coding change: c.673G>A on transcript NM_002168.4 (MANE Select); coding-DNA position 673, G replaced by A.
Protein change: p.Asp225Asn; replaces aspartic acid 225 with asparagine.
Molecular consequence: missense variant.
Genome position (GRCh38, 1-based): chr15:90,088,364, C>T on the plus strand (G>A on the coding strand, the complement: IDH2 is on the minus strand). VCF-style: chr15-90088364-C-T. GRCh37 (hg19) VCF-style: chr15-90631596-C-T.
Other names: c.517G>A, p.Asp173Asn (NM_001289910.1); c.283G>A, p.Asp95Asn (NM_001290114.2); short protein forms D173N, D225N, D95N.
Identifiers: ClinVar variation 211176 (VCV000211176.21), dbSNP rs142816010, ClinGen allele CA205072.